The following is an entry in ClinVar:

NM_022765.4(MICAL1):c.1688T>C (p.Leu563Pro)

Gene: MICAL1 (microtubule associated monooxygenase, calponin and LIM domain containing 1; minus strand). Cytogenetic location: 6q21.
Variant type: single nucleotide variant.
Coding change: c.1688T>C on transcript NM_022765.4 (MANE Select); coding-DNA position 1688, T replaced by C.
Protein change: p.Leu563Pro; replaces leucine 563 with proline.
Molecular consequence: missense variant.
Genome position (GRCh38, 1-based): chr6:109,448,370, A>G on the plus strand (T>C on the coding strand, the complement: MICAL1 is on the minus strand). VCF-style: chr6-109448370-A-G. GRCh37 (hg19) VCF-style: chr6-109769573-A-G.
Other names: c.1430T>C, p.Leu477Pro (NM_001159291.2); c.1745T>C, p.Leu582Pro (NM_001286613.2); short protein forms L563P, L477P, L582P.
Identifiers: ClinVar variation 1964014 (VCV001964014.5), dbSNP rs752103251, ClinGen allele CA3953236.
Genomic context (GRCh38, chr6:109,448,370, plus strand): 5'-GTGATGCCCAGCTCATTCTCTGCCACCTTTAGTGCCCAAGCAGTTGCTTCCAGAGCTCCC[A>G]GCCCCTGCAGCTCTGAGGGTTCCCTGTGGGATGTCAGGGAGAAAAGCCAACTAGAGACAA-3'
Protein context (NP_073602.3, residues 553-573): GLLEPSELQG[Leu563Pro]GALEATAWAL

ClinVar aggregate classification (germline): Uncertain significance (1 of 4 stars; one submission).

Allele frequency attached by ClinVar (database versions not stated): TOPMed 0.00001; ExAC 0.00002; gnomAD 0.00002; gnomAD exomes 0.00002.
gnomAD v4.1: 16 of 1,613,628 alleles (0.00099%); highest among the groups gnomAD compares: Non-Finnish European, 0.0014%; no homozygotes.

Submission:

Labcorp Genetics (formerly Invitae), Labcorp
Classification: Uncertain significance. Last evaluated: 2022-02-08. Review status: criteria provided, single submitter. Criteria: Invitae Variant Classification Sherloc (09022015). Collection method: clinical testing. Allele origin: germline.
Comment: Algorithms developed to predict the effect of missense changes on protein structure and function (SIFT, PolyPhen-2, Align-GVGD) all suggest that this variant is likely to be tolerated. In summary, the available evidence is currently insufficient to determine the role of this variant in disease. Therefore, it has been classified as a Variant of Uncertain Significance. This variant has not been reported in the literature in individuals affected with MICAL1-related conditions. This variant is present in population databases (rs752103251, gnomAD 0.006%). This sequence change replaces leucine, which is neutral and non-polar, with proline, which is neutral and non-polar, at codon 582 of the MICAL1 protein (p.Leu582Pro).